The following is an entry in ClinVar:

NM_000051.4(ATM):c.2922-9_2922-8dup

Gene: ATM (ATM serine/threonine kinase; plus strand). Cytogenetic location: 11q22.3.
Variant type: Duplication.
Coding change: c.2922-9_2922-8dup on transcript NM_000051.4 (MANE Select); 9 bases into the intron before coding-DNA position 2922 through 8 bases into the intron before coding-DNA position 2922, 2 bases duplicated (TT; older notation c.2922-9_2922-8dupTT).
Molecular consequence: intron variant.
Genome position (GRCh38, 1-based): chr11:108,271,242-108,271,243, TT duplicated; duplicating any 2 consecutive bases within chr11:108,271,229-108,271,243 gives the same sequence; the c. name uses the placement nearest the transcript's 3' end. VCF-style (leftmost placement, unchanged base first): chr11-108271228-C-CTT. GRCh37 (hg19) VCF-style: chr11-108141955-C-CTT.
Other names: c.2922-9_2922-8dup (NM_001351834.2, NM_000051.3); c.2922-9_2922-8dupTT (NM_000051.4, NM_000051.3).
Identifiers: ClinVar variation 2692169 (VCV002692169.5), dbSNP rs373881770, ClinGen allele CA6265150.

ClinVar aggregate classification (germline): Likely benign. Review status: criteria provided, multiple submitters, no conflicts (2 of 4 stars). 3 submissions from 3 submitters: Likely benign (2). 1 of the submissions does not count toward it. Last evaluated 2025-03-26.

Conditions:
ATM-related disorder. Also called: ATM-related disorders; ATM-related condition.

Submissions (3):

Quest Diagnostics Nichols Institute San Juan Capistrano
Classification: Likely benign. Last evaluated: 2025-03-26. Review status: criteria provided, single submitter. Criteria: Quest Diagnostics criteria. Collection method: clinical testing. Allele origin: unknown.

Center for Genomic Medicine, Rigshospitalet, Copenhagen University Hospital
Classification: Likely benign. Last evaluated: 2025-03-04. Review status: criteria provided, single submitter. Criteria: ACMG Guidelines, 2015. Collection method: clinical testing. Allele origin: germline.

PreventionGenetics, part of Exact Sciences
Classification: Likely benign for ATM-related condition. Last evaluated: 2022-07-27. Review status: no assertion criteria provided. Collection method: clinical testing. Allele origin: germline. Not counted in ClinVar's aggregate classification.
Comment: This variant is classified as likely benign based on ACMG/AMP sequence variant interpretation guidelines (Richards et al. 2015 PMID: 25741868, with internal and published modifications).